The following is an entry in ClinVar:

ClinVar aggregate classification (germline): Uncertain significance. Review status: criteria provided, single submitter (1 of 4 stars). 2 submissions from 2 submitters: Uncertain significance (1). 1 of the submissions does not count toward it. Last evaluated 2022-12-23.

Conditions:
CEP290-related disorder. Also called: CEP290-related disorders; CEP290-related condition. Identifiers: MedGen CN239314.

gnomAD v4.1: 9 of 1,610,926 alleles (0.00056%); highest among the groups gnomAD compares: East Asian, 0.0022%; no homozygotes.

Submissions (2):

Blueprint Genetics
Classification: Uncertain significance. Last evaluated: 2022-12-23. Review status: criteria provided, single submitter. Criteria: ACMG Guidelines, 2015. Collection method: clinical testing. Allele origin: germline.

PreventionGenetics, part of Exact Sciences
Classification: Uncertain significance for CEP290-related condition. Last evaluated: 2024-07-31. Review status: no assertion criteria provided. Collection method: clinical testing. Allele origin: germline. Not counted in ClinVar's aggregate classification.
Comment: The CEP290 c.3278G>A variant is predicted to result in the amino acid substitution p.Arg1093His. To our knowledge, this variant has not been reported in the literature. This variant is reported in 0.0029% of alleles in individuals of Latino descent in gnomAD. At this time, the clinical significance of this variant is uncertain due to the absence of conclusive functional and genetic evidence.

NM_025114.4(CEP290):c.3278G>A (p.Arg1093His)

Gene: CEP290 (centrosomal protein 290; minus strand). Cytogenetic location: 12q21.32.
Variant type: single nucleotide variant.
Coding change: c.3278G>A on transcript NM_025114.4 (MANE Select); coding-DNA position 3278, G replaced by A.
Protein change: p.Arg1093His; replaces arginine 1093 with histidine.
Molecular consequence: missense variant.
Genome position (GRCh38, 1-based): chr12:88,093,801, C>T on the plus strand (G>A on the coding strand, the complement: CEP290 is on the minus strand). VCF-style: chr12-88093801-C-T. GRCh37 (hg19) VCF-style: chr12-88487578-C-T.
Other names: short protein forms R1093H.
Identifiers: ClinVar variation 3356147 (VCV003356147.2).